The following is an entry in ClinVar:

ClinVar aggregate classification (germline): Uncertain significance. Review status: criteria provided, multiple submitters, no conflicts (2 of 4 stars). 4 submissions from 4 submitters: Uncertain significance (4). Last evaluated 2022-12-08.

Conditions:
Hereditary cancer-predisposing syndrome. Also called: Hereditary neoplastic syndrome; Neoplastic Syndromes, Hereditary; Tumor predisposition; Hereditary Cancer Syndrome. Identifiers: Orphanet 140162, MedGen C0027672, MeSH D009386, MONDO:0015356.
Hereditary breast ovarian cancer syndrome. Also called: Hereditary breast and ovarian cancer syndrome (HBOC); Hereditary breast and ovarian cancer; Hereditary breast and ovarian cancer syndrome; Breast and ovarian cancer; Hereditary breast and/or ovarian cancer syndrome; BRCA1- and BRCA2-Associated Hereditary Breast and Ovarian Cancer. Identifiers: Orphanet 145, MedGen C0677776, MeSH D061325, MONDO:0003582. Disease mechanism: loss of function.

Submissions (4):

Labcorp Genetics (formerly Invitae), Labcorp
Classification: Uncertain significance for Hereditary breast ovarian cancer syndrome. Last evaluated: 2022-12-08. Review status: criteria provided, single submitter. Criteria: Invitae Variant Classification Sherloc (09022015). Collection method: clinical testing. Allele origin: germline.
Comment: In summary, the available evidence is currently insufficient to determine the role of this variant in disease. Therefore, it has been classified as a Variant of Uncertain Significance. Experimental studies and prediction algorithms are not available or were not evaluated, and the functional significance of this variant is currently unknown. ClinVar contains an entry for this variant (Variation ID: 246230). This variant has not been reported in the literature in individuals affected with BRCA1-related conditions. This variant is present in population databases (no rsID available, gnomAD no frequency). This variant, c.2018_2023del, results in the deletion of 2 amino acid(s) of the BRCA1 protein (p.Glu673_Pro674del), but otherwise preserves the integrity of the reading frame.

Color Diagnostics, LLC DBA Color Health
Classification: Uncertain significance for Hereditary cancer-predisposing syndrome. Last evaluated: 2019-04-23. Review status: criteria provided, single submitter. Criteria: ACMG Guidelines, 2015. Collection method: clinical testing. Allele origin: germline.

Ambry Genetics
Classification: Uncertain significance for Hereditary cancer-predisposing syndrome. Last evaluated: 2018-11-05. Review status: criteria provided, single submitter. Criteria: Ambry Variant Classification Scheme 2023. Collection method: clinical testing. Allele origin: germline.
Comment: The c.2018_2023delAACCTG variant (also known as p.E673_P674del) is located in coding exon 9 of the BRCA1 gene. This variant results from an in-frame AACCTG deletion at nucleotide positions 2018 to 2023. This results in the in-frame deletion of glutamate and proline residues at codons 673 and 674. These amino acid positions are highly conserved and poorly conserved, respectively, on species alignment. Since supporting evidence is limited at this time, the clinical significance of this alteration remains unclear.

GeneDx
Classification: Uncertain significance. Last evaluated: 2015-12-17. Review status: criteria provided, single submitter. Criteria: GeneDx Variant Classification (06012015). Collection method: clinical testing. Allele origin: germline. Affected: yes.
Comment: This in-frame deletion of 6 nucleotides in BRCA1 is denoted c.2018_2023delAACCTG at the cDNA level and p.Glu673_Pro674del (E673_P674del) at the protein level. The normal sequence, with the bases that are deleted in braces, is AAAG[AACCTG]CAAC. The Glutamic Acid at residue 673 is conserved across species while the Proline at residue 674 is not conserved across species. This deletion, also known as BRCA1 2137del6 using alternate nomenclature, is located within the DNA binding domain (Narod 2004). This variant has not, to our knowledge, been published in the literature as pathogenic or benign. Since in-frame deletions may or may not inhibit proper protein functioning, the clinical significance of this finding remains unclear at this time and we consider BRCA1 c.2018_2023delAACCTG to be a variant of uncertain significance.

NM_007294.4(BRCA1):c.2018_2023del (p.Glu673_Pro674del)

Gene: BRCA1 (BRCA1 DNA repair associated; minus strand). Cytogenetic location: 17q21.31.
Variant type: Deletion.
Coding change: c.2018_2023del on transcript NM_007294.4 (MANE Select); coding-DNA positions 2018 to 2023, 6 bases deleted (AACCTG; older notation c.2018_2023delAACCTG).
Protein change: p.Glu673_Pro674del.
Molecular consequence: inframe deletion. On other transcripts: inframe indel (1), intron variant (137).
Genome position (GRCh38, 1-based): chr17:43,093,508-43,093,513, CAGGTT deleted on the plus strand (AACCTG on the coding strand, the reverse complement: BRCA1 is on the minus strand); deleting any 6 consecutive bases within chr17:43,093,508-43,093,514 gives the same sequence; the c. name uses the placement nearest the transcript's 3' end. VCF-style (leftmost placement, unchanged base first): chr17-43093507-GCAGGTT-G. GRCh37 (hg19) VCF-style: chr17-41245524-GCAGGTT-G.
Other names: c.1754_1759del, p.Glu585_Pro586del (NM_001407933.1, NM_001407935.1, NM_001407920.1 and 9 more transcripts); c.2018_2023del, p.Glu673_Pro674del (NM_001407593.1, NM_001407594.1, NM_001407596.1 and 30 more transcripts); c.1751_1756del, p.Glu584_Pro585del (NM_001407934.1, NM_001407936.1, NM_001407930.1 and 2 more transcripts); c.2015_2020del, p.Glu672_Pro673del (NM_001407610.1, NM_001407860.1, NM_001407861.1 and 22 more transcripts); c.1892_1897del, p.Glu631_Pro632del (NM_001407940.1, NM_001407941.1, NM_001407649.1 and 11 more transcripts); c.1877_1882del, p.Glu626_Pro627del (NM_001407942.1, NM_001407944.1, NM_001407750.1 and 29 more transcripts); c.1895_1900del, p.Glu632_Pro633del (NM_001407937.1, NM_001407938.1, NM_001407939.1 and 19 more transcripts); c.1874_1879del, p.Glu625_Pro626del (NM_001407943.1, NM_001407743.1, NM_001407744.1 and 20 more transcripts); and 41 more.
Identifiers: ClinVar variation 246230 (VCV000246230.15), dbSNP rs879254165, ClinGen allele CA10584568.